The following is an entry in ClinVar:

NM_001082486.2(ACD):c.820A>G (p.Ser274Gly)

Gene: ACD (ACD shelterin complex subunit and telomerase recruitment factor; minus strand). Cytogenetic location: 16q22.1.
Variant type: single nucleotide variant.
Coding change: c.820A>G on transcript NM_001082486.2 (MANE Select); coding-DNA position 820, A replaced by G.
Protein change: p.Ser274Gly; replaces serine 274 with glycine.
Molecular consequence: missense variant.
Genome position (GRCh38, 1-based): chr16:67,658,564, T>C on the plus strand (A>G on the coding strand, the complement: ACD is on the minus strand). VCF-style: chr16-67658564-T-C. GRCh37 (hg19) VCF-style: chr16-67692467-T-C.
Other names: c.811A>G, p.Ser271Gly (NM_022914.3); short protein forms S271G, S274G.
Identifiers: ClinVar variation 1370538 (VCV001370538.9), dbSNP rs2052924182, ClinGen allele CA396353140.

ClinVar aggregate classification (germline): Uncertain significance. Review status: criteria provided, multiple submitters, no conflicts (2 of 4 stars). 2 submissions from 2 submitters: Uncertain significance (2). Last evaluated 2026-09-09.

Conditions:
Dyskeratosis congenita, autosomal dominant 6 (DKCA6). Identifiers: Orphanet 3322, MedGen C4225284, MONDO:0014690, OMIM 616553.
Inborn genetic diseases. Identifiers: MedGen C0950123, MeSH D030342.

Allele frequency attached by ClinVar (database versions not stated): gnomAD exomes below 0.00001; gnomAD 0.00001.

Submissions (2):

Ambry Genetics
Classification: Uncertain significance for Inborn genetic diseases. Last evaluated: 2026-09-09. Review status: criteria provided, single submitter. Criteria: Ambry Variant Classification Scheme 2023. Collection method: clinical testing. Allele origin: germline.

Labcorp Genetics (formerly Invitae), Labcorp
Classification: Uncertain significance for Dyskeratosis congenita, autosomal dominant 6. Last evaluated: 2025-08-27. Review status: criteria provided, single submitter. Criteria: Invitae Variant Classification Sherloc (09022015). Collection method: clinical testing. Allele origin: germline.
Comment: This sequence change replaces serine, which is neutral and polar, with glycine, which is neutral and non-polar, at codon 360 of the ACD protein (p.Ser360Gly). This variant is not present in population databases (gnomAD no frequency). This variant has not been reported in the literature in individuals affected with ACD-related conditions. ClinVar contains an entry for this variant (Variation ID: 1370538). Invitae Evidence Modeling of protein sequence and biophysical properties (such as structural, functional, and spatial information, amino acid conservation, physicochemical variation, residue mobility, and thermodynamic stability) indicates that this missense variant is not expected to disrupt ACD protein function with a negative predictive value of 80%. In summary, the available evidence is currently insufficient to determine the role of this variant in disease. Therefore, it has been classified as a Variant of Uncertain Significance.